The following is an entry in ClinVar:

ClinVar aggregate classification (germline): Uncertain significance (1 of 4 stars; one submission).

Conditions:
Brugada syndrome 4 (BRGDA4). Identifiers: Orphanet 130, MedGen C2678477, MONDO:0012743, OMIM 611876.

Submission:

Labcorp Genetics (formerly Invitae), Labcorp
Classification: Uncertain significance for Brugada syndrome 4. Last evaluated: 2025-07-28. Review status: criteria provided, single submitter. Criteria: Invitae Variant Classification Sherloc (09022015). Collection method: clinical testing. Allele origin: germline.
Comment: This variant occurs in a non-coding region of the CACNB2 gene. It does not change the encoded amino acid sequence of the CACNB2 protein. This variant is not present in population databases (gnomAD no frequency). This variant has not been reported in the literature in individuals affected with CACNB2-related conditions. Experimental studies and prediction algorithms are not available or were not evaluated, and the functional significance of this variant is currently unknown. In summary, the available evidence is currently insufficient to determine the role of this variant in disease. Therefore, it has been classified as a Variant of Uncertain Significance.

NM_201596.3(CACNB2):c.*9_*10insTTTTGTGTTTTTTTTTTTTTTTTTTTGAAGTCTTGAGTTTTGCCC (p.Ter661=)

Gene: CACNB2 (calcium voltage-gated channel auxiliary subunit beta 2; plus strand). Cytogenetic location: 10p12.31.
Variant type: Insertion.
Coding change: c.*9_*10insTTTTGTGTTTTTTTTTTTTTTTTTTTGAAGTCTTGAGTTTTGCCC on transcript NM_201596.3 (MANE Select); 9 bases downstream of the stop codon through 10 bases downstream of the stop codon, TTTTGTGTTTTTTTTTTTTTTTTTTTGAAGTCTTGAGTTTTGCCC inserted.
Protein change: p.Ter661=.
Molecular consequence: no sequence alteration.
Genome position: GRCh38: chr10:18,539,733-18,539,734. GRCh37 (hg19): chr10:18,828,662-18,828,663.
Other names: c.*9_*10insTTTTGTGTTTTTTTTTTTTTTTTTTTGAAGTCTTGAGTTTTGCCC, p.Ter606= (NM_000724.4); c.*9_*10insTTTTGTGTTTTTTTTTTTTTTTTTTTGAAGTCTTGAGTTTTGCCC, p.Ter595= (NM_001167945.2); c.*9_*10insTTTTGTGTTTTTTTTTTTTTTTTTTTGAAGTCTTGAGTTTTGCCC, p.Ter568= (NM_001330060.2); c.*9_*10insTTTTGTGTTTTTTTTTTTTTTTTTTTGAAGTCTTGAGTTTTGCCC, p.Ter575= (NM_001410882.1); c.*9_*10insTTTTGTGTTTTTTTTTTTTTTTTTTTGAAGTCTTGAGTTTTGCCC, p.Ter613= (NM_201570.3); c.*9_*10insTTTTGTGTTTTTTTTTTTTTTTTTTTGAAGTCTTGAGTTTTGCCC, p.Ter633= (NM_201571.4); c.*9_*10insTTTTGTGTTTTTTTTTTTTTTTTTTTGAAGTCTTGAGTTTTGCCC, p.Ter609= (NM_201572.4); c.*9_*10insTTTTGTGTTTTTTTTTTTTTTTTTTTGAAGTCTTGAGTTTTGCCC, p.Ter607= (NM_201590.3); and 2 more.
Identifiers: ClinVar variation 4724189 (VCV004724189.1).